The following is an entry in ClinVar:

NM_001127222.2(CACNA1A):c.2047G>A (p.Val683Met)

Gene: CACNA1A (calcium voltage-gated channel subunit alpha1 A; minus strand). Cytogenetic location: 19p13.13.
Variant type: single nucleotide variant.
Coding change: c.2047G>A on transcript NM_001127222.2 (MANE Select); coding-DNA position 2047, G replaced by A.
Protein change: p.Val683Met; replaces valine 683 with methionine.
Molecular consequence: missense variant.
Genome position (GRCh38, 1-based): chr19:13,303,824, C>T on the plus strand (G>A on the coding strand, the complement: CACNA1A is on the minus strand). VCF-style: chr19-13303824-C-T. GRCh37 (hg19) VCF-style: chr19-13414638-C-T.
Other names: c.2050G>A, p.Val684Met (NM_000068.4, NM_001127221.2, NM_001174080.2 and 1 more transcripts); short protein forms V684M, V683M.
Identifiers: ClinVar variation 2935169 (VCV002935169.5), dbSNP rs2057841622, ClinGen allele CA404344383.

ClinVar aggregate classification (germline): Uncertain significance. Review status: criteria provided, multiple submitters, no conflicts (2 of 4 stars). 2 submissions from 2 submitters: Uncertain significance (2). Last evaluated 2026-07-11.

Conditions:
Episodic ataxia type 2 (EA2). Also called: CEREBELLAR ATAXIA, PAROXYSMAL, ACETAZOLAMIDE-RESPONSIVE; CEREBELLOPATHY, HEREDITARY PAROXYSMAL; EPISODIC ATAXIA, NYSTAGMUS-ASSOCIATED; ACETAZOLAMIDE-RESPONSIVE HEREDITARY PAROXYSMAL CEREBELLAR ATAXIA; ATAXIA, EPISODIC, WITH NYSTAGMUS; ATAXIA, FAMILIAL PAROXYSMAL. Identifiers: Orphanet 97, MedGen C1720416, MONDO:0007163, OMIM 108500.
Developmental and epileptic encephalopathy, 42 (DEE42A). Also called: Epileptic encephalopathy, early infantile, 42; DEVELOPMENTAL AND EPILEPTIC ENCEPHALOPATHY 42A; EPILEPTIC ENCEPHALOPATHY, EARLY INFANTILE, 42A. Identifiers: MedGen C4310716, MONDO:0014917, OMIM 617106.

Allele frequency attached by ClinVar (database versions not stated): gnomAD exomes below 0.00001.
gnomAD v4.1: 3 of 1,613,682 alleles (0.00019%); highest among the groups gnomAD compares: Non-Finnish European, 0.00025%; no homozygotes.

Submissions (2):

GeneDx
Classification: Uncertain significance. Last evaluated: 2026-07-11. Review status: criteria provided, single submitter. Criteria: GeneDx Variant Classification Process June 2021. Collection method: clinical testing. Allele origin: germline.
Comment: Not observed at significant frequency in large population cohorts (gnomAD); In silico analysis supports that this missense variant has a deleterious effect on protein structure/function; Has not been previously published as pathogenic or benign to our knowledge

Labcorp Genetics (formerly Invitae), Labcorp
Classification: Uncertain significance for Developmental and epileptic encephalopathy, 42; Episodic ataxia type 2. Last evaluated: 2023-04-28. Review status: criteria provided, single submitter. Criteria: Invitae Variant Classification Sherloc (09022015). Collection method: clinical testing. Allele origin: germline.
Comment: This sequence change replaces valine, which is neutral and non-polar, with methionine, which is neutral and non-polar, at codon 684 of the CACNA1A protein (p.Val684Met). In summary, the available evidence is currently insufficient to determine the role of this variant in disease. Therefore, it has been classified as a Variant of Uncertain Significance. Advanced modeling of protein sequence and biophysical properties (such as structural, functional, and spatial information, amino acid conservation, physicochemical variation, residue mobility, and thermodynamic stability) performed at Invitae indicates that this missense variant is expected to disrupt CACNA1A protein function. This variant has not been reported in the literature in individuals affected with CACNA1A-related conditions. This variant is not present in population databases (gnomAD no frequency).